The following is an entry in ClinVar:

NM_000260.4(MYO7A):c.5576del (p.Gln1859fs)

Gene: MYO7A (myosin VIIA; plus strand). Cytogenetic location: 11q13.5.
Variant type: Deletion.
Coding change: c.5576del on transcript NM_000260.4 (MANE Select); coding-DNA position 5576, one base deleted (A; older notation c.5576delA).
Protein change: p.Gln1859fs; shifts the reading frame from glutamine 1859.
Molecular consequence: frameshift variant.
Genome position (GRCh38, 1-based): chr11:77,205,557, A deleted. VCF-style (leftmost placement, unchanged base first): chr11-77205556-CA-C. GRCh37 (hg19) VCF-style: chr11-76916601-CA-C.
Other names: c.5462del, p.Gln1821fs (NM_001127180.2); c.5429del, p.Gln1810fs (NM_001369365.1); short protein forms Q1821fs, Q1859fs, Q1810fs.
Identifiers: ClinVar variation 1444733 (VCV001444733.6), dbSNP rs2135733500, ClinGen allele CA2573147760.

ClinVar aggregate classification (germline): Pathogenic (1 of 4 stars; one submission).

Submission:

Labcorp Genetics (formerly Invitae), Labcorp
Classification: Pathogenic. Last evaluated: 2020-11-23. Review status: criteria provided, single submitter. Criteria: Invitae Variant Classification Sherloc (09022015). Collection method: clinical testing. Allele origin: germline.
Comment: For these reasons, this variant has been classified as Pathogenic. This variant has not been reported in the literature in individuals with MYO7A-related conditions. This variant is not present in population databases (ExAC no frequency). This sequence change creates a premature translational stop signal (p.Gln1859Argfs*20) in the MYO7A gene. It is expected to result in an absent or disrupted protein product. Loss-of-function variants in MYO7A are known to be pathogenic (PMID: 8900236, 25404053).

Literature cited by the submitters: PubMed 8900236; PubMed 25404053.